The following is an entry in ClinVar:

NM_006766.5(KAT6A):c.5101C>A (p.Pro1701Thr)

Gene: KAT6A (lysine acetyltransferase 6A; minus strand). Cytogenetic location: 8p11.21.
Variant type: single nucleotide variant.
Coding change: c.5101C>A on transcript NM_006766.5 (MANE Select); coding-DNA position 5101, C replaced by A.
Protein change: p.Pro1701Thr; replaces proline 1701 with threonine.
Molecular consequence: missense variant.
Genome position (GRCh38, 1-based): chr8:41,933,119, G>T on the plus strand (C>A on the coding strand, the complement: KAT6A is on the minus strand). VCF-style: chr8-41933119-G-T. GRCh37 (hg19) VCF-style: chr8-41790637-G-T.
Other names: short protein forms P1701T.
Identifiers: ClinVar variation 3720540 (VCV003720540.2).

ClinVar aggregate classification (germline): Uncertain significance (1 of 4 stars; one submission).

Submission:

Labcorp Genetics (formerly Invitae), Labcorp
Classification: Uncertain significance. Last evaluated: 2025-01-23. Review status: criteria provided, single submitter. Criteria: Invitae Variant Classification Sherloc (09022015). Collection method: clinical testing. Allele origin: germline.
Comment: This sequence change replaces proline, which is neutral and non-polar, with threonine, which is neutral and polar, at codon 1701 of the KAT6A protein (p.Pro1701Thr). This variant is not present in population databases (gnomAD no frequency). This variant has not been reported in the literature in individuals affected with KAT6A-related conditions. Invitae Evidence Modeling of protein sequence and biophysical properties (such as structural, functional, and spatial information, amino acid conservation, physicochemical variation, residue mobility, and thermodynamic stability) indicates that this missense variant is not expected to disrupt KAT6A protein function with a negative predictive value of 95%. In summary, the available evidence is currently insufficient to determine the role of this variant in disease. Therefore, it has been classified as a Variant of Uncertain Significance.